The following is an entry in ClinVar:

ClinVar aggregate classification (germline): Uncertain significance. Review status: criteria provided, multiple submitters, no conflicts (2 of 4 stars). 2 submissions from 2 submitters: Uncertain significance (2). Last evaluated 2025-05-05.

Conditions:
Metaphyseal chondrodysplasia, Schmid type (MCDS). Also called: SPONDYLOMETAPHYSEAL DYSPLASIA, JAPANESE TYPE. Identifiers: Orphanet 174, MedGen C0265289, MONDO:0007983, OMIM 156500.

Allele frequency attached by ClinVar (database versions not stated): gnomAD 0.00001; gnomAD exomes 0.00001 and 0.00002; TOPMed 0.00001; ExAC 0.00002; 1000 Genomes Project 30x 0.00016; 1000 Genomes Project 0.00020.
gnomAD v4.1: 13 of 1,613,546 alleles (0.00081%); highest among the groups gnomAD compares: East Asian, 0.0089%; no homozygotes.

Submissions (2):

Labcorp Genetics (formerly Invitae), Labcorp
Classification: Uncertain significance. Last evaluated: 2025-05-05. Review status: criteria provided, single submitter. Criteria: Invitae Variant Classification Sherloc (09022015). Collection method: clinical testing. Allele origin: germline.
Comment: This sequence change replaces glycine, which is neutral and non-polar, with aspartic acid, which is acidic and polar, at codon 443 of the COL10A1 protein (p.Gly443Asp). This variant is present in population databases (rs539549311, gnomAD 0.02%). This variant has not been reported in the literature in individuals affected with COL10A1-related conditions. ClinVar contains an entry for this variant (Variation ID: 355095). Invitae Evidence Modeling of protein sequence and biophysical properties (such as structural, functional, and spatial information, amino acid conservation, physicochemical variation, residue mobility, and thermodynamic stability) has been performed for this missense variant. However, the output from this modeling did not meet the statistical confidence thresholds required to predict the impact of this variant on COL10A1 protein function. In summary, the available evidence is currently insufficient to determine the role of this variant in disease. Therefore, it has been classified as a Variant of Uncertain Significance.

Illumina Laboratory Services, Illumina
Classification: Uncertain significance for Metaphyseal chondrodysplasia, Schmid type. Last evaluated: 2018-01-12. Review status: criteria provided, single submitter. Criteria: ICSL Variant Classification Criteria 13 December 2019. Collection method: clinical testing. Allele origin: germline.

NM_000493.4(COL10A1):c.1328G>A (p.Gly443Asp)

Genes: COL10A1 (collagen type X alpha 1 chain; minus strand), NT5DC1 (5'-nucleotidase domain containing 1; plus strand). Cytogenetic location: 6q22.1.
Variant type: single nucleotide variant.
Coding change: c.1328G>A on transcript NM_000493.4 (MANE Select); coding-DNA position 1328, G replaced by A.
Protein change: p.Gly443Asp; replaces glycine 443 with aspartic acid.
Molecular consequence: missense variant. On other transcripts: intron variant (1).
Genome position (GRCh38, 1-based): chr6:116,120,788, C>T on the plus strand (G>A on the coding strand, the complement: COL10A1 is on the minus strand). VCF-style: chr6-116120788-C-T. GRCh37 (hg19) VCF-style: chr6-116441951-C-T.
Other names: c.1328G>A, p.Gly443Asp (NM_001424106.1, NM_001424107.1); c.529+2843C>T (NM_152729.3); short protein forms G443D.
Identifiers: ClinVar variation 355095 (VCV000355095.6), dbSNP rs539549311, ClinGen allele CA3968200.